The following is an entry in ClinVar:

NM_001242896.3(DEPDC5):c.1466G>A (p.Ser489Asn)

Gene: DEPDC5 (DEP domain containing 5, GATOR1 subcomplex subunit; plus strand). Cytogenetic location: 22q12.3.
Variant type: single nucleotide variant.
Coding change: c.1466G>A on transcript NM_001242896.3 (MANE Select); coding-DNA position 1466, G replaced by A.
Protein change: p.Ser489Asn; replaces serine 489 with asparagine.
Molecular consequence: missense variant. On other transcripts: non-coding transcript variant (5).
Genome position (GRCh38, 1-based): chr22:31,815,012, G>A. VCF-style: chr22-31815012-G-A. GRCh37 (hg19) VCF-style: chr22-32210998-G-A.
Other names: c.1466G>A, p.Ser489Asn (NM_001007188.4, NM_001136029.4, NM_001242897.2 and 7 more transcripts); c.1382G>A, p.Ser461Asn (NM_001369901.1, NM_001369902.1); short protein forms S489N, S461N.
Identifiers: ClinVar variation 466455 (VCV000466455.14), dbSNP rs200209747, ClinGen allele CA10196390.

ClinVar aggregate classification (germline): Conflicting classifications of pathogenicity. Review status: criteria provided, conflicting classifications (1 of 4 stars). 3 submissions from 3 submitters: Uncertain significance (1); Likely benign (2). Last evaluated 2025-09-24.

Conditions:
Familial focal epilepsy with variable foci (FPEVF). Identifiers: Orphanet 98820, MedGen C1858477, MONDO:0020310.
Inborn genetic diseases. Identifiers: MedGen C0950123, MeSH D030342.

Allele frequency attached by ClinVar (database versions not stated): gnomAD exomes 0.00003 and 0.00005; ExAC 0.00007; TOPMed 0.00025; gnomAD 0.00026 and 0.00029; ESP Exome Variant Server 0.00032.
gnomAD v4.1: 79 of 1,613,998 alleles (0.0049%); highest among the groups gnomAD compares: African/African-American, 0.083%; 1 homozygote.

Submissions (3):

Labcorp Genetics (formerly Invitae), Labcorp
Classification: Uncertain significance for Familial focal epilepsy with variable foci. Last evaluated: 2025-09-24. Review status: criteria provided, single submitter. Criteria: Invitae Variant Classification Sherloc (09022015). Collection method: clinical testing. Allele origin: germline.
Comment: This sequence change replaces serine, which is neutral and polar, with asparagine, which is neutral and polar, at codon 489 of the DEPDC5 protein (p.Ser489Asn). This variant is present in population databases (rs200209747, gnomAD 0.06%). This variant has not been reported in the literature in individuals affected with DEPDC5-related conditions. ClinVar contains an entry for this variant (Variation ID: 466455). An algorithm developed to predict the effect of missense changes on protein structure and function outputs the following: PolyPhen-2: "Not Available". The asparagine amino acid residue is found in multiple mammalian species, which suggests that this missense change does not adversely affect protein function. In summary, the available evidence is currently insufficient to determine the role of this variant in disease. Therefore, it has been classified as a Variant of Uncertain Significance.

Ambry Genetics
Classification: Likely benign for Inborn genetic diseases. Last evaluated: 2022-04-12. Review status: criteria provided, single submitter. Criteria: Ambry Variant Classification Scheme 2023. Collection method: clinical testing. Allele origin: germline.

GeneDx
Classification: Likely benign. Last evaluated: 2020-10-01. Review status: criteria provided, single submitter. Criteria: GeneDx Variant Classification Process June 2021. Collection method: clinical testing. Allele origin: germline. Affected: yes.